The following is an entry in ClinVar:

NM_001039348.3(EFEMP1):c.347G>T (p.Gly116Val)

Gene: EFEMP1 (EGF-like fibulin extracellular matrix protein 1; minus strand). Cytogenetic location: 2p16.1.
Variant type: single nucleotide variant.
Coding change: c.347G>T on transcript NM_001039348.3 (MANE Select); coding-DNA position 347, G replaced by T.
Protein change: p.Gly116Val; replaces glycine 116 with valine.
Molecular consequence: missense variant.
Genome position (GRCh38, 1-based): chr2:55,917,835, C>A on the plus strand (G>T on the coding strand, the complement: EFEMP1 is on the minus strand). VCF-style: chr2-55917835-C-A. GRCh37 (hg19) VCF-style: chr2-56144970-C-A.
Other names: c.347G>T, p.Gly116Val (NM_001039349.3); short protein forms G116V.
Identifiers: ClinVar variation 4982057 (VCV004982057.1).

ClinVar aggregate classification (germline): Uncertain significance (1 of 4 stars; one submission).

Conditions:
EFEMP1-related disorder. Also called: EFEMP1-related condition.

Submission:

PreventionGenetics, part of Exact Sciences
Classification: Uncertain significance for EFEMP1-related condition. Last evaluated: 2025-10-31. Review status: criteria provided, single submitter. Criteria: ACMG Guidelines, 2015. Collection method: clinical testing. Allele origin: germline.
Comment: The EFEMP1 c.347G>T variant is predicted to result in the amino acid substitution p.Gly116Val. To our knowledge, this variant has not been reported in the literature or in a large population database (gnomAD), indicating this variant is rare. At this time, the clinical significance of this variant is uncertain due to the absence of conclusive functional and genetic evidence.